The following is an entry in ClinVar:

ClinVar aggregate classification (germline): Uncertain significance. Review status: criteria provided, multiple submitters, no conflicts (2 of 4 stars). 3 submissions from 3 submitters: Uncertain significance (3). Last evaluated 2025-07-11.

Conditions:
UMOD-related disorder. Also called: UMOD-related condition.

Allele frequency attached by ClinVar (database versions not stated): gnomAD 0.00001; gnomAD exomes 0.00002; TOPMed 0.00002.
gnomAD v4.1: 29 of 1,614,108 alleles (0.0018%); highest among the groups gnomAD compares: Non-Finnish European, 0.0023%; no homozygotes.

Submissions (3):

PreventionGenetics, part of Exact Sciences
Classification: Uncertain significance for UMOD-related condition. Last evaluated: 2025-07-11. Review status: criteria provided, single submitter. Criteria: ACMG Guidelines, 2015. Collection method: clinical testing. Allele origin: germline.
Comment: The UMOD c.1694A>G variant is predicted to result in the amino acid substitution p.His565Arg. To our knowledge, this variant has not been reported in the literature. This variant is reported in 0.00088% of alleles in individuals of European (Non-Finnish) descent in gnomAD. At this time, the clinical significance of this variant is uncertain due to the absence of conclusive functional and genetic evidence.

Labcorp Genetics (formerly Invitae), Labcorp
Classification: Uncertain significance. Last evaluated: 2024-04-15. Review status: criteria provided, single submitter. Criteria: Invitae Variant Classification Sherloc (09022015). Collection method: clinical testing. Allele origin: germline.
Comment: This sequence change replaces histidine, which is basic and polar, with arginine, which is basic and polar, at codon 565 of the UMOD protein (p.His565Arg). This variant is present in population databases (no rsID available, gnomAD 0.0009%). This variant has not been reported in the literature in individuals affected with UMOD-related conditions. ClinVar contains an entry for this variant (Variation ID: 2579494). Advanced modeling of protein sequence and biophysical properties (such as structural, functional, and spatial information, amino acid conservation, physicochemical variation, residue mobility, and thermodynamic stability) performed at Invitae indicates that this missense variant is expected to disrupt UMOD protein function with a positive predictive value of 95%. In summary, the available evidence is currently insufficient to determine the role of this variant in disease. Therefore, it has been classified as a Variant of Uncertain Significance.

GeneDx
Classification: Uncertain significance. Last evaluated: 2023-03-10. Review status: criteria provided, single submitter. Criteria: GeneDx Variant Classification Process June 2021. Collection method: clinical testing. Allele origin: germline. Affected: yes.
Comment: In silico analysis supports that this missense variant has a deleterious effect on protein structure/function; Has not been previously published as pathogenic or benign to our knowledge; This variant is associated with the following publications: (PMID: 22693617)

NM_003361.4(UMOD):c.1694A>G (p.His565Arg)

Gene: UMOD (uromodulin; minus strand). Cytogenetic location: 16p12.3.
Variant type: single nucleotide variant.
Coding change: c.1694A>G on transcript NM_003361.4 (MANE Select); coding-DNA position 1694, A replaced by G.
Protein change: p.His565Arg; replaces histidine 565 with arginine.
Molecular consequence: missense variant. On other transcripts: non-coding transcript variant (1).
Genome position (GRCh38, 1-based): chr16:20,337,337, T>C on the plus strand (A>G on the coding strand, the complement: UMOD is on the minus strand). VCF-style: chr16-20337337-T-C. GRCh37 (hg19) VCF-style: chr16-20348659-T-C.
Other names: c.1694A>G (NM_003361.3); c.1694A>G, p.His565Arg (NM_001008389.3, NM_001378232.1, NM_001378233.1); c.1793A>G, p.His598Arg (NM_001278614.2); c.1835A>G, p.His612Arg (NM_001378234.1, NM_001378235.1); short protein forms H565R, H598R, H612R.
Identifiers: ClinVar variation 2579494 (VCV002579494.4), dbSNP rs1022490065, ClinGen allele CA279288847.